The following is an entry in ClinVar:

NM_004006.3(DMD):c.3143_3149del (p.Asn1048fs)

Gene: DMD (dystrophin; minus strand). Cytogenetic location: Xp21.1.
Variant type: Deletion.
Coding change: c.3143_3149del on transcript NM_004006.3 (MANE Select); coding-DNA positions 3143 to 3149, 7 bases deleted (ATAAACT; older notation c.3143_3149delATAAACT).
Protein change: p.Asn1048fs; shifts the reading frame from asparagine 1048.
Molecular consequence: frameshift variant.
Genome position (GRCh38, 1-based): chrX:32,468,511-32,468,517, AGTTTAT deleted on the plus strand (ATAAACT on the coding strand, the reverse complement: DMD is on the minus strand). VCF-style (leftmost placement, unchanged base first): chrX-32468510-GAGTTTAT-G. GRCh37 (hg19) VCF-style: chrX-32486627-GAGTTTAT-G.
Other names: c.3119_3125del, p.Asn1040fs (NM_000109.4); c.3131_3137del, p.Asn1044fs (NM_004009.3); c.2774_2780del, p.Asn925fs (NM_004010.3); short protein forms N1048fs, N1040fs, N1044fs, N925fs.
Identifiers: ClinVar variation 1390541 (VCV001390541.6), dbSNP rs2148458912, ClinGen allele CA2573158964.
Genomic context (GRCh38, chrX:32,468,510, plus strand): 5'-AAAAACAAGTAAATAAAAATGAGGGTAGAAAGTAAAATCTTGAATTACCTGAATTTTTCG[GAGTTTAT>G]TCATTTGCTCCTCTAGCTTTTGACAATGCTCAACCAGCTGGGAGGAGAGCTTCTTCCAGC-3'

ClinVar aggregate classification (germline): Pathogenic (1 of 4 stars; one submission).

Conditions:
Duchenne muscular dystrophy (DMD). Also called: MUSCULAR DYSTROPHY, PSEUDOHYPERTROPHIC PROGRESSIVE, DUCHENNE TYPE; Duchenne Muscular Dystrophy (DMD). Identifiers: Orphanet 98896, MedGen C0013264, MONDO:0010679, OMIM 310200.

Submission:

Labcorp Genetics (formerly Invitae), Labcorp
Classification: Pathogenic for Duchenne muscular dystrophy. Last evaluated: 2021-06-29. Review status: criteria provided, single submitter. Criteria: Invitae Variant Classification Sherloc (09022015). Collection method: clinical testing. Allele origin: germline.
Comment: For these reasons, this variant has been classified as Pathogenic. This variant has not been reported in the literature in individuals affected with DMD-related conditions. This variant is not present in population databases (ExAC no frequency). This sequence change creates a premature translational stop signal (p.Asn1048Thrfs*11) in the DMD gene. It is expected to result in an absent or disrupted protein product. Loss-of-function variants in DMD are known to be pathogenic (PMID: 16770791, 25007885).

Literature cited by the submitters: PubMed 16770791; PubMed 25007885.